The following is an entry in ClinVar:

NM_006302.3(MOGS):c.-77G>C

Gene: MOGS (mannosyl-oligosaccharide glucosidase; minus strand). Cytogenetic location: 2p13.1.
Variant type: single nucleotide variant.
Coding change: c.-77G>C on transcript NM_006302.3 (MANE Select); 77 bases upstream of the start codon, G replaced by C.
Molecular consequence: 5 prime UTR variant.
Genome position (GRCh38, 1-based): chr2:74,465,324, C>G on the plus strand (G>C on the coding strand, the complement: MOGS is on the minus strand). VCF-style: chr2-74465324-C-G. GRCh37 (hg19) VCF-style: chr2-74692451-C-G.
Other names: c.-77G>C (LRG_1226t1); c.-69G>C (NM_001146158.2).
Identifiers: ClinVar variation 390410 (VCV000390410.1), dbSNP rs1057523760, ClinGen allele CA16604411.
Genomic context (GRCh38, chr2:74,465,324, plus strand): 5'-GCGTCACAAGAGCTCGGAGAGGCGGCAGTGGAGCCCGGGTCCTGCCTCACCTCTCCGGCT[C>G]CCGCCTCTCGCCCTGGCGACCACCGTCCGGTTAGCGACACCTGCCAGCCAGCGCCTGCGC-3'

ClinVar aggregate classification (germline): Likely benign (1 of 4 stars; one submission).

Submission:

GeneDx
Classification: Likely benign. Last evaluated: 2016-11-04. Review status: criteria provided, single submitter. Criteria: GeneDx Variant Classification (06012015). Collection method: clinical testing. Allele origin: germline. Affected: yes.
Comment: This variant is considered likely benign or benign based on one or more of the following criteria: it is a conservative change, it occurs at a poorly conserved position in the protein, it is predicted to be benign by multiple in silico algorithms, and/or has population frequency not consistent with disease.